The following is an entry in ClinVar:

ClinVar aggregate classification (germline): Uncertain significance (1 of 4 stars; one submission).

Conditions:
X-linked myopathy with postural muscle atrophy. Also called: FHL1-Related Emery-Dreifuss Muscular Dystrophy, X-Linked. Identifiers: Orphanet 178461, MedGen C2678055, MONDO:0010401, OMIM 300696.

Allele frequency attached by ClinVar (database versions not stated): ExAC 0.00001; gnomAD 0.00001; TOPMed 0.00001.
gnomAD v4.1: 2 of 1,209,993 alleles (0.00017%); highest among the groups gnomAD compares: African/African-American, 0.0017%; no homozygotes.

Submission:

Labcorp Genetics (formerly Invitae), Labcorp
Classification: Uncertain significance for X-linked myopathy with postural muscle atrophy. Last evaluated: 2022-02-03. Review status: criteria provided, single submitter. Criteria: Invitae Variant Classification Sherloc (09022015). Collection method: clinical testing. Allele origin: germline.
Comment: This sequence change replaces threonine, which is neutral and polar, with isoleucine, which is neutral and non-polar, at codon 64 of the FHL1 protein (p.Thr64Ile). This variant is present in population databases (rs746834335, gnomAD 0.001%). This variant has not been reported in the literature in individuals affected with FHL1-related conditions. ClinVar contains an entry for this variant (Variation ID: 581366). Algorithms developed to predict the effect of missense changes on protein structure and function are either unavailable or do not agree on the potential impact of this missense change (SIFT: "Tolerated"; PolyPhen-2: "Possibly Damaging"; Align-GVGD: "Class C15"). In summary, the available evidence is currently insufficient to determine the role of this variant in disease. Therefore, it has been classified as a Variant of Uncertain Significance.

NM_001159699.2(FHL1):c.239C>T (p.Thr80Ile)

Gene: FHL1 (four and a half LIM domains 1; plus strand). Cytogenetic location: Xq26.3.
Variant type: single nucleotide variant.
Coding change: c.239C>T on transcript NM_001159699.2 (MANE Select); coding-DNA position 239, C replaced by T.
Protein change: p.Thr80Ile; replaces threonine 80 with isoleucine.
Molecular consequence: missense variant. On other transcripts: non-coding transcript variant (1).
Genome position (GRCh38, 1-based): chrX:136,207,050, C>T. VCF-style: chrX-136207050-C-T. GRCh37 (hg19) VCF-style: chrX-135289209-C-T.
Other names: c.191C>T, p.Thr64Ile (NM_001159700.2, NM_001159702.3, NM_001159703.2 and 9 more transcripts); c.278C>T, p.Thr93Ile (NM_001159701.2); c.239C>T, p.Thr80Ile (NM_001330659.2); short protein forms T64I, T80I, T93I.
Identifiers: ClinVar variation 581366 (VCV000581366.7), dbSNP rs746834335, ClinGen allele CA10524969.